The following is an entry in ClinVar:

NM_004706.4(ARHGEF1):c.2208G>T (p.Gln736His)

Gene: ARHGEF1 (Rho guanine nucleotide exchange factor 1; plus strand). Cytogenetic location: 19q13.2.
Variant type: single nucleotide variant.
Coding change: c.2208G>T on transcript NM_004706.4 (MANE Select); coding-DNA position 2208, G replaced by T.
Protein change: p.Gln736His; replaces glutamine 736 with histidine.
Molecular consequence: missense variant. On other transcripts: non-coding transcript variant (2).
Genome position (GRCh38, 1-based): chr19:41,904,995, G>T. VCF-style: chr19-41904995-G-T. GRCh37 (hg19) VCF-style: chr19-42409147-G-T.
Other names: c.2376G>T, p.Gln792His (NM_001396000.1); c.2109G>T, p.Gln703His (NM_001396002.1, NM_001396004.1, NM_198977.2); c.2208G>T, p.Gln736His (NM_001396003.1, NM_001396006.1); c.2253G>T, p.Gln751His (NM_199002.2); short protein forms Q703H, Q736H, Q751H, Q792H.
Identifiers: ClinVar variation 3621398 (VCV003621398.2).

ClinVar aggregate classification (germline): Uncertain significance (1 of 4 stars; one submission).

Submission:

Labcorp Genetics (formerly Invitae), Labcorp
Classification: Uncertain significance. Last evaluated: 2024-08-21. Review status: criteria provided, single submitter. Criteria: Invitae Variant Classification Sherloc (09022015). Collection method: clinical testing. Allele origin: germline.
Comment: This sequence change replaces glutamine, which is neutral and polar, with histidine, which is basic and polar, at codon 751 of the ARHGEF1 protein (p.Gln751His). This variant is not present in population databases (gnomAD no frequency). This variant has not been reported in the literature in individuals affected with ARHGEF1-related conditions. An algorithm developed to predict the effect of missense changes on protein structure and function outputs the following: PolyPhen-2: "Benign". The histidine amino acid residue is found in multiple mammalian species, which suggests that this missense change does not adversely affect protein function. In summary, the available evidence is currently insufficient to determine the role of this variant in disease. Therefore, it has been classified as a Variant of Uncertain Significance.